The following is an entry in ClinVar:

ClinVar aggregate classification (germline): Uncertain significance (1 of 4 stars; one submission).

gnomAD v4.1: 2 of 1,614,078 alleles (0.00012%); highest among the groups gnomAD compares: Non-Finnish European, 0.00017%; no homozygotes.

Submission:

Labcorp Genetics (formerly Invitae), Labcorp
Classification: Uncertain significance. Last evaluated: 2025-10-23. Review status: criteria provided, single submitter. Criteria: Invitae Variant Classification Sherloc (09022015). Collection method: clinical testing. Allele origin: germline.
Comment: This sequence change replaces aspartic acid, which is acidic and polar, with asparagine, which is neutral and polar, at codon 114 of the SIAE protein (p.Asp114Asn). This variant is not present in population databases (gnomAD no frequency). This variant has not been reported in the literature in individuals affected with SIAE-related conditions. An algorithm developed to predict the effect of missense changes on protein structure and function outputs the following: PolyPhen-2: "Benign". The asparagine amino acid residue is found in multiple mammalian species, which suggests that this missense change does not adversely affect protein function. In summary, the available evidence is currently insufficient to determine the role of this variant in disease. Therefore, it has been classified as a Variant of Uncertain Significance.

NM_170601.5(SIAE):c.340G>A (p.Asp114Asn)

Gene: SIAE (sialic acid acetylesterase; minus strand). Cytogenetic location: 11q24.2.
Variant type: single nucleotide variant.
Coding change: c.340G>A on transcript NM_170601.5 (MANE Select); coding-DNA position 340, G replaced by A.
Protein change: p.Asp114Asn; replaces aspartic acid 114 with asparagine.
Molecular consequence: missense variant.
Genome position (GRCh38, 1-based): chr11:124,660,693, C>T on the plus strand (G>A on the coding strand, the complement: SIAE is on the minus strand). VCF-style: chr11-124660693-C-T. GRCh37 (hg19) VCF-style: chr11-124530589-C-T.
Other names: c.235G>A, p.Asp79Asn (NM_001199922.2); short protein forms D79N, D114N.
Identifiers: ClinVar variation 4704960 (VCV004704960.1).